The following is an entry in ClinVar:

NM_005235.3(ERBB4):c.2245G>T (p.Ala749Ser)

Gene: ERBB4 (erb-b2 receptor tyrosine kinase 4; minus strand). Cytogenetic location: 2q34.
Variant type: single nucleotide variant.
Coding change: c.2245G>T on transcript NM_005235.3 (MANE Select); coding-DNA position 2245, G replaced by T.
Protein change: p.Ala749Ser; replaces alanine 749 with serine.
Molecular consequence: missense variant.
Genome position (GRCh38, 1-based): chr2:211,619,233, C>A on the plus strand (G>T on the coding strand, the complement: ERBB4 is on the minus strand). VCF-style: chr2-211619233-C-A. GRCh37 (hg19) VCF-style: chr2-212483958-C-A.
Other names: c.2245G>T, p.Ala749Ser (NM_001042599.2); c.2215G>T, p.Ala739Ser (NM_001439005.1, NM_001439006.1); short protein forms A739S, A749S.
Identifiers: ClinVar variation 4870561 (VCV004870561.1).

ClinVar aggregate classification (germline): Uncertain significance (1 of 4 stars; one submission).

Conditions:
Inborn genetic diseases. Identifiers: MedGen C0950123, MeSH D030342.

Submission:

Ambry Genetics
Classification: Uncertain significance for Inborn genetic diseases. Last evaluated: 2026-05-11. Review status: criteria provided, single submitter. Criteria: Ambry Variant Classification Scheme 2023. Collection method: clinical testing. Allele origin: germline.
Comment: The c.2245G>T (p.A749S) alteration is located in exon 19 (coding exon 19) of the ERBB4 gene. This alteration results from a G to T substitution at nucleotide position 2245, causing the alanine (A) at amino acid position 749 to be replaced by a serine (S). Based on data from gnomAD, the T allele has an overall frequency of <0.001% (1/251020) total alleles studied. The highest observed frequency was 0.006% (1/16246) of African alleles. Based on insufficient or conflicting evidence, the clinical significance of this alteration remains unclear.